The following is an entry in ClinVar:

ClinVar aggregate classification (germline): Uncertain significance. Review status: criteria provided, multiple submitters, no conflicts (2 of 4 stars). 2 submissions from 2 submitters: Uncertain significance (2). Last evaluated 2025-05-28.

Conditions:
Hereditary cancer-predisposing syndrome. Also called: Neoplastic Syndromes, Hereditary; Hereditary neoplastic syndrome; Hereditary Cancer Syndrome; Tumor predisposition. Identifiers: Orphanet 140162, MedGen C0027672, MeSH D009386, MONDO:0015356.
Familial cancer of breast. Also called: BREAST CANCER, FAMILIAL; Hereditary breast cancer; hereditary breast carcinoma. Identifiers: Orphanet 227535, MedGen C0346153, MONDO:0016419, OMIM 114480. Disease mechanism: loss of function.
Fanconi anemia complementation group J. Also called: BRIP1-Related Fanconi Anemia. Identifiers: Orphanet 84, MedGen C1836860, MONDO:0012187, OMIM 609054.

Submissions (2):

Ambry Genetics
Classification: Uncertain significance for Hereditary cancer-predisposing syndrome. Last evaluated: 2025-05-28. Review status: criteria provided, single submitter. Criteria: Ambry Variant Classification Scheme 2023. Collection method: clinical testing. Allele origin: germline.
Comment: The p.I868T variant (also known as c.2603T>C), located in coding exon 18 of the BRIP1 gene, results from a T to C substitution at nucleotide position 2603. The isoleucine at codon 868 is replaced by threonine, an amino acid with similar properties. This amino acid position is conserved. In addition, the in silico prediction for this alteration is inconclusive. Based on the available evidence, the clinical significance of this variant remains unclear.

Labcorp Genetics (formerly Invitae), Labcorp
Classification: Uncertain significance for Familial cancer of breast; Fanconi anemia complementation group J. Last evaluated: 2022-10-20. Review status: criteria provided, single submitter. Criteria: Invitae Variant Classification Sherloc (09022015). Collection method: clinical testing. Allele origin: germline.
Comment: In summary, the available evidence is currently insufficient to determine the role of this variant in disease. Therefore, it has been classified as a Variant of Uncertain Significance. Advanced modeling of protein sequence and biophysical properties (such as structural, functional, and spatial information, amino acid conservation, physicochemical variation, residue mobility, and thermodynamic stability) performed at Invitae indicates that this missense variant is not expected to disrupt BRIP1 protein function. ClinVar contains an entry for this variant (Variation ID: 948867). This variant has not been reported in the literature in individuals affected with BRIP1-related conditions. This variant is not present in population databases (gnomAD no frequency). This sequence change replaces isoleucine, which is neutral and non-polar, with threonine, which is neutral and polar, at codon 868 of the BRIP1 protein (p.Ile868Thr).

NM_032043.3(BRIP1):c.2603T>C (p.Ile868Thr)

Gene: BRIP1 (BRCA1 interacting DNA helicase 1; minus strand). Cytogenetic location: 17q23.2.
Variant type: single nucleotide variant.
Coding change: c.2603T>C on transcript NM_032043.3 (MANE Select); coding-DNA position 2603, T replaced by C.
Protein change: p.Ile868Thr; replaces isoleucine 868 with threonine.
Molecular consequence: missense variant.
Genome position (GRCh38, 1-based): chr17:61,686,138, A>G on the plus strand (T>C on the coding strand, the complement: BRIP1 is on the minus strand). VCF-style: chr17-61686138-A-G. GRCh37 (hg19) VCF-style: chr17-59763499-A-G.
Other names: short protein forms I868T.
Identifiers: ClinVar variation 948867 (VCV000948867.11), dbSNP rs2061361421, ClinGen allele CA400481961.